The following is an entry in ClinVar:

NM_001077365.2(POMT1):c.78G>A (p.Gly26=)

Gene: POMT1 (protein O-mannosyltransferase 1; plus strand). Cytogenetic location: 9q34.13.
Variant type: single nucleotide variant.
Coding change: c.78G>A on transcript NM_001077365.2 (MANE Select); coding-DNA position 78, G replaced by A.
Protein change: p.Gly26=; no amino-acid change (glycine 26 retained).
Molecular consequence: synonymous variant. On other transcripts: 5 prime UTR variant (4), non-coding transcript variant (4), intron variant (9).
Genome position (GRCh38, 1-based): chr9:131,504,296, G>A. VCF-style: chr9-131504296-G-A. GRCh37 (hg19) VCF-style: chr9-134379683-G-A.
Other names: p.Gly26=; c.78G>A, p.Gly26= (NM_001136113.2, NM_001353193.2, NM_001353196.2 and 2 more transcripts); c.-167G>A (NM_001353195.2); c.-394G>A (NM_001353198.2); c.-116G>A (NM_001374692.1); c.-74G>A (NM_001374695.1); c.-41+983G>A (NM_001353194.2); c.-72+983G>A (NM_001374691.1); and 3 more.
Identifiers: ClinVar variation 130013 (VCV000130013.32), dbSNP rs149554732, ClinGen allele CA154755.
Genomic context (GRCh38, chr9:131,504,296, plus strand): 5'-GCGCCCTGTAGTGGTGACGGCTGACATCAACTTGAGCCTTGTGGCCCTGACTGGGATGGG[G>A]TTACTGAGCCGGCTGTGGCGACTCACCTACCCGCGGGCTGTGGTGTAAGCTAAATGACTC-3'
Protein context (NP_001070833.1, residues 16-36): NLSLVALTGM[Gly26=]LLSRLWRLTY

ClinVar aggregate classification (germline): Benign/Likely benign. Review status: criteria provided, multiple submitters, no conflicts (2 of 4 stars). 9 submissions from 9 submitters: Benign (5); Likely benign (3). 1 of the submissions does not count toward it. Last evaluated 2026-02-02.

Conditions:
Muscular dystrophy-dystroglycanopathy (congenital with impaired intellectual development), type B, 1. Also called: MUSCULAR DYSTROPHY, CONGENITAL, POMT1-RELATED; Muscular dystrophy-dystroglycanopathy (congenital with intellectual disability), type B1. Identifiers: MedGen C5436962, MONDO:0013159, OMIM 613155.
Autosomal recessive limb-girdle muscular dystrophy type 2K. Also called: MUSCULAR DYSTROPHY, LIMB-GIRDLE, TYPE 2K; MUSCULAR DYSTROPHY-DYSTROGLYCANOPATHY (LIMB-GIRDLE), TYPE C, 1. Identifiers: Orphanet 86812, MedGen C1836373, MONDO:0012248, OMIM 609308.
Walker-Warburg congenital muscular dystrophy. Also called: Muscular dystrophy-dystroglycanopathy, type A; Walker-Warburg syndrome. Identifiers: Orphanet 899, MedGen C0265221, MONDO:0000171.

Allele frequency attached by ClinVar (database versions not stated): gnomAD exomes 0.00093 and 0.00250; ExAC 0.00316; gnomAD 0.00916 and 0.00980; TOPMed 0.00977; ESP Exome Variant Server 0.00992; 1000 Genomes Project 0.01138; 1000 Genomes Project 30x 0.01187.
gnomAD v4.1: 2,799 of 1,614,210 alleles (0.17%); highest among the groups gnomAD compares: African/African-American, 3.1%; 30 homozygotes.

Submissions (9):

Labcorp Genetics (formerly Invitae), Labcorp
Classification: Benign for Muscular dystrophy-dystroglycanopathy (congenital with impaired intellectual development), type B, 1; Walker-Warburg congenital muscular dystrophy; Autosomal recessive limb-girdle muscular dystrophy type 2K. Last evaluated: 2026-02-02. Review status: criteria provided, single submitter. Criteria: Invitae Variant Classification Sherloc (09022015). Collection method: clinical testing. Allele origin: germline.

Athena Diagnostics
Classification: Benign. Last evaluated: 2024-08-01. Review status: criteria provided, single submitter. Criteria: Athena Diagnostics Criteria. Collection method: clinical testing. Allele origin: unknown.

Mayo Clinic Laboratories, Mayo Clinic
Classification: Benign. Last evaluated: 2018-10-12. Review status: criteria provided, single submitter. Criteria: ACMG Guidelines, 2015. Collection method: clinical testing. Allele origin: germline. Observed: 6 variant alleles.

Illumina Laboratory Services, Illumina
Classification: Likely benign for Autosomal recessive limb-girdle muscular dystrophy type 2K. Last evaluated: 2018-01-12. Review status: criteria provided, single submitter. Criteria: ICSL Variant Classification Criteria 13 December 2019. Collection method: clinical testing. Allele origin: germline.
Comment: This variant was observed in the ICSL laboratory as part of a predisposition screen in an ostensibly healthy population. It had not been previously curated by ICSL or reported in the Human Gene Mutation Database (HGMD: prior to June 1st, 2018), and was therefore a candidate for classification through an automated scoring system. Utilizing variant allele frequency, disease prevalence and penetrance estimates, and inheritance mode, an automated score was calculated to assess if this variant is too frequent to cause the disease. Based on the score and internal cut-off values, a variant classified as likely benign is not then subjected to further curation. The score for this variant resulted in a classification of likely benign for this disease.

GeneDx
Classification: Benign. Last evaluated: 2016-03-15. Review status: criteria provided, single submitter. Criteria: GeneDx Variant Classification (06012015). Collection method: clinical testing. Allele origin: germline. Affected: yes.
Comment: This variant is considered likely benign or benign based on one or more of the following criteria: it is a conservative change, it occurs at a poorly conserved position in the protein, it is predicted to be benign by multiple in silico algorithms, and/or has population frequency not consistent with disease.

Eurofins Ntd Llc (ga)
Classification: Benign. Last evaluated: 2015-01-27. Review status: criteria provided, single submitter. Criteria: EGL Classification Definitions 2015. Collection method: clinical testing. Allele origin: germline. Observed: 2 variant alleles, 2 heterozygotes.

Breakthrough Genomics
Classification: Likely benign. Review status: criteria provided, single submitter. Criteria: ACMG Guidelines, 2015. Collection method: not provided. Allele origin: germline. Inheritance: Autosomal recessive inheritance. Affected: yes.

PreventionGenetics, part of Exact Sciences
Classification: Likely benign. Review status: criteria provided, single submitter. Criteria: ACMG Guidelines, 2015. Collection method: clinical testing. Allele origin: germline.

Genetic Services Laboratory, University of Chicago
Classification: Likely benign for AllHighlyPenetrant. Review status: no assertion criteria provided. Collection method: clinical testing. Allele origin: germline. Inheritance: Autosomal recessive inheritance. Not counted in ClinVar's aggregate classification.
Comment: Likely benign based on allele frequency in 1000 Genomes Project or ESP global frequency and its presence in a patient with a rare or unrelated disease phenotype. NOT Sanger confirmed.